The following is an entry in ClinVar:

ClinVar aggregate classification (germline): Pathogenic (1 of 4 stars; one submission).

Conditions:
Hereditary spastic paraplegia 4. Also called: Spastic paraplegia 4, autosomal dominant; Spastic Paraplegia 4; Familial spastic paraplegia autosomal dominant 2. Identifiers: Orphanet 100985, MedGen C1866855, MONDO:0008438, OMIM 182601.

Submission:

Labcorp Genetics (formerly Invitae), Labcorp
Classification: Pathogenic for Hereditary spastic paraplegia 4. Last evaluated: 2022-03-14. Review status: criteria provided, single submitter. Criteria: Invitae Variant Classification Sherloc (09022015). Collection method: clinical testing. Allele origin: germline.
Comment: This variant is a gross deletion of the genomic region encompassing exon(s) 5-17 of the SPAST gene, which includes the termination codon. This deletion extends beyond the assayed region for this gene and therefore may encompass additional genes. While this deletion is not anticipated to lead to nonsense mediated decay, it is expected to alter mRNA translation or result in a truncated protein product. A similar copy number variant has been observed in individuals with hereditary spastic paraplegia (PMID: 26208798). This variant disrupts the p.Gly559 amino acid residue in SPAST. Other variant(s) that disrupt this residue have been determined to be pathogenic (PMID: 11087788, 11843700, 15248095, 17598600, 20718791, 22960362). This suggests that this residue is clinically significant, and that variants that disrupt this residue are likely to be disease-causing. For these reasons, this variant has been classified as Pathogenic.

Literature cited by the submitters: PubMed 26208798; PubMed 11087788; PubMed 11843700; PubMed 15248095; PubMed 17598600; PubMed 20718791; PubMed 22960362.

NC_000002.11:g.(?_32339687)_(32379565_?)del

Gene: SPAST (spastin; plus strand). Cytogenetic location: 2p22.3.
Variant type: Deletion.
Identifiers: ClinVar variation 2426018 (VCV002426018.3).